The following is an entry in ClinVar:

NM_003477.3(PDHX):c.134G>A (p.Trp45Ter)

Genes: PDHX (pyruvate dehydrogenase complex component X; plus strand), LOC130005549 (ATAC-STARR-seq lymphoblastoid active region 4608; plus strand). Cytogenetic location: 11p13.
Variant type: single nucleotide variant.
Coding change: c.134G>A on transcript NM_003477.3 (MANE Select); coding-DNA position 134, G replaced by A.
Protein change: p.Trp45Ter; replaces tryptophan 45 with a stop codon.
Molecular consequence: nonsense. On other transcripts: intron variant (1).
Genome position (GRCh38, 1-based): chr11:34,916,789, G>A. VCF-style: chr11-34916789-G-A. GRCh37 (hg19) VCF-style: chr11-34938336-G-A.
Other names: c.134G>A, p.Trp45Ter (NM_001166158.2); c.-21+303G>A (NM_001135024.2); short protein forms W45*.
Identifiers: ClinVar variation 424121 (VCV000424121.3), dbSNP rs1064796807, ClinGen allele CA16619315.

ClinVar aggregate classification (germline): Likely pathogenic. Review status: criteria provided, multiple submitters, no conflicts (2 of 4 stars). 2 submissions from 2 submitters: Likely pathogenic (2). Last evaluated 2018-10-31.

Conditions:
Pyruvate dehydrogenase E3-binding protein deficiency (PDHXD). Also called: E3-Binding Protein (Component X) Deficiency; LACTIC ACIDEMIA DUE TO DEFECT IN LIPOYL-CONTAINING COMPONENT X OF THE PYRUVATE DEHYDROGENASE COMPLEX; PYRUVATE HYDROGENASE E3-BINDING PROTEIN DEFICIENCY; Lacticacidemia due to PDX1 deficiency. Identifiers: Orphanet 255182, MedGen C1855553, MONDO:0009503, OMIM 245349.

gnomAD v4.1: 2 of 1,594,834 alleles (0.00013%); no homozygotes.

Submissions (2):

Fulgent Genetics
Classification: Likely pathogenic for Pyruvate dehydrogenase E3-binding protein deficiency. Last evaluated: 2018-10-31. Review status: criteria provided, single submitter. Criteria: ACMG Guidelines, 2015. Collection method: clinical testing. Allele origin: unknown.

GeneDx
Classification: Likely pathogenic. Last evaluated: 2017-03-08. Review status: criteria provided, single submitter. Criteria: GeneDx Variant Classification (06012015). Collection method: clinical testing. Allele origin: germline. Affected: yes.
Comment: The W45X variant in the PDHX gene has not been reported previously as a pathogenic variant nor as a benign variant, to our knowledge. This variant is predicted to cause loss of normal protein function either through protein truncation or nonsense-mediated mRNA decay. The W45X variant is not observed in large population cohorts (Lek et al., 2016; 1000 Genomes Consortium et al., 2015; Exome Variant Server). Therefore, we interpret W45X as a likely pathogenic variant.